The following is an entry in ClinVar:

ClinVar aggregate classification (germline): Likely benign. Review status: criteria provided, multiple submitters, no conflicts (2 of 4 stars). 3 submissions from 3 submitters: Likely benign (2). 1 of the submissions does not count toward it. Last evaluated 2024-11-06.

Conditions:
RYR3-related disorder. Also called: RYR3-related condition.
Epileptic encephalopathy. Identifiers: MedGen C0543888, HP:0200134.

Allele frequency attached by ClinVar (database versions not stated): ExAC 0.00027; 1000 Genomes Project 30x 0.00031; gnomAD 0.00031; 1000 Genomes Project 0.00040; TOPMed 0.00040; gnomAD exomes 0.00046.
gnomAD v4.1: 299 of 1,613,154 alleles (0.019%); highest among the groups gnomAD compares: Admixed American, 0.22%; 1 homozygote.

Submissions (3):

Blueprint Genetics
Classification: Likely benign. Last evaluated: 2024-11-06. Review status: criteria provided, single submitter. Criteria: ACMG Guidelines, 2015. Collection method: clinical testing. Allele origin: germline.

Labcorp Genetics (formerly Invitae), Labcorp
Classification: Likely benign for Epileptic encephalopathy. Last evaluated: 2024-10-22. Review status: criteria provided, single submitter. Criteria: Invitae Variant Classification Sherloc (09022015). Collection method: clinical testing. Allele origin: germline.

PreventionGenetics, part of Exact Sciences
Classification: Likely benign for RYR3-related condition. Last evaluated: 2019-11-04. Review status: no assertion criteria provided. Collection method: clinical testing. Allele origin: germline. Not counted in ClinVar's aggregate classification.
Comment: This variant is classified as likely benign based on ACMG/AMP sequence variant interpretation guidelines (Richards et al. 2015 PMID: 25741868, with internal and published modifications).

NM_001036.6(RYR3):c.3609C>T (p.Leu1203=)

Gene: RYR3 (ryanodine receptor 3; plus strand). Cytogenetic location: 15q14.
Variant type: single nucleotide variant.
Coding change: c.3609C>T on transcript NM_001036.6 (MANE Select); coding-DNA position 3609, C replaced by T.
Protein change: p.Leu1203=; no amino-acid change (leucine 1203 retained).
Molecular consequence: synonymous variant.
Genome position (GRCh38, 1-based): chr15:33,644,363, C>T. VCF-style: chr15-33644363-C-T. GRCh37 (hg19) VCF-style: chr15-33936564-C-T.
Other names: c.3609C>T, p.Leu1203= (NM_001243996.4).
Identifiers: ClinVar variation 531123 (VCV000531123.15), dbSNP rs549685153, ClinGen allele CA7458748.